The following is an entry in ClinVar:

NM_001048174.2(MUTYH):c.380A>C (p.Lys127Thr)

Gene: MUTYH (mutY DNA glycosylase; minus strand). Cytogenetic location: 1p34.1.
Variant type: single nucleotide variant.
Coding change: c.380A>C on transcript NM_001048174.2 (MANE Select); coding-DNA position 380, A replaced by C.
Protein change: p.Lys127Thr; replaces lysine 127 with threonine.
Molecular consequence: missense variant. On other transcripts: non-coding transcript variant (6), intron variant (4).
Genome position (GRCh38, 1-based): chr1:45,332,958, T>G on the plus strand (A>C on the coding strand, the complement: MUTYH is on the minus strand). VCF-style: chr1-45332958-T-G. GRCh37 (hg19) VCF-style: chr1-45798630-T-G.
Other names: c.380A>C, p.Lys127Thr (NM_001048171.2, NM_001048173.2, NM_001407081.1 and 5 more transcripts); c.383A>C, p.Lys128Thr (NM_001048172.2, NM_001407086.1, NM_001407071.1 and 1 more transcripts); c.464A>C, p.Lys155Thr (NM_001128425.2); c.425A>C, p.Lys142Thr (NM_001293190.2); c.413A>C, p.Lys138Thr (NM_001293191.2, NM_001407077.1); c.104A>C, p.Lys35Thr (NM_001293192.2, NM_001407091.1, NM_001293196.2); c.35A>C, p.Lys12Thr (NM_001407082.1, NM_001350650.2, NM_001350651.2); c.422A>C, p.Lys141Thr (NM_001407083.1, NM_001407085.1); and 7 more; short protein forms K127T, K138T, K142T, K99T, K12T, K141T, K152T, K155T.
Identifiers: ClinVar variation 3019513 (VCV003019513.5), dbSNP rs1645233008, ClinGen allele CA340136036.

ClinVar aggregate classification (germline): Uncertain significance. Review status: criteria provided, multiple submitters, no conflicts (2 of 4 stars). 3 submissions from 3 submitters: Uncertain significance (3). Last evaluated 2025-08-27.

Conditions:
Familial adenomatous polyposis 2. Also called: COLORECTAL ADENOMATOUS POLYPOSIS, AUTOSOMAL RECESSIVE; ADENOMAS, MULTIPLE COLORECTAL, AUTOSOMAL RECESSIVE; MYH-associated polyposis; MUTYH-associated polyposis; MUTYH-related attenuated familial adenomatous polyposis; MUTYH Polyposis. Identifiers: Orphanet 220460, Orphanet 247798, MedGen C3272841, MONDO:0012041, OMIM 608456.
Hereditary cancer-predisposing syndrome. Also called: Tumor predisposition; Hereditary Cancer Syndrome; Hereditary neoplastic syndrome; Neoplastic Syndromes, Hereditary. Identifiers: Orphanet 140162, MedGen C0027672, MeSH D009386, MONDO:0015356.

Allele frequency attached by ClinVar (database versions not stated): TOPMed below 0.00001.

Submissions (3):

Ambry Genetics
Classification: Uncertain significance for Hereditary cancer-predisposing syndrome. Last evaluated: 2025-08-27. Review status: criteria provided, single submitter. Criteria: Ambry Variant Classification Scheme 2023. Collection method: clinical testing. Allele origin: germline.
Comment: The p.K155T variant (also known as c.464A>C), located in coding exon 6 of the MUTYH gene, results from an A to C substitution at nucleotide position 464. The lysine at codon 155 is replaced by threonine, an amino acid with similar properties. This amino acid position is conserved. In addition, the in silico prediction for this alteration is inconclusive. Based on the available evidence, the clinical significance of this variant remains unclear.

GeneDx
Classification: Uncertain significance. Last evaluated: 2023-11-09. Review status: criteria provided, single submitter. Criteria: GeneDx Variant Classification Process June 2021. Collection method: clinical testing. Allele origin: germline. Affected: yes.
Comment: Not observed at significant frequency in large population cohorts (gnomAD); In silico analysis supports that this missense variant has a deleterious effect on protein structure/function; Has not been previously published as pathogenic or benign to our knowledge

Labcorp Genetics (formerly Invitae), Labcorp
Classification: Uncertain significance for Familial adenomatous polyposis 2. Last evaluated: 2023-11-01. Review status: criteria provided, single submitter. Criteria: Invitae Variant Classification Sherloc (09022015). Collection method: clinical testing. Allele origin: germline.
Comment: This sequence change replaces lysine, which is basic and polar, with threonine, which is neutral and polar, at codon 155 of the MUTYH protein (p.Lys155Thr). This variant is not present in population databases (gnomAD no frequency). This variant has not been reported in the literature in individuals affected with MUTYH-related conditions. An algorithm developed to predict the effect of missense changes on protein structure and function (PolyPhen-2) suggests that this variant is likely to be disruptive. In summary, the available evidence is currently insufficient to determine the role of this variant in disease. Therefore, it has been classified as a Variant of Uncertain Significance.